The following is an entry in ClinVar:

NM_004329.3(BMPR1A):c.1176T>C (p.Asn392=)

Gene: BMPR1A (bone morphogenetic protein receptor type 1A; plus strand). Cytogenetic location: 10q23.2.
Variant type: single nucleotide variant.
Coding change: c.1176T>C on transcript NM_004329.3 (MANE Select); coding-DNA position 1176, T replaced by C.
Protein change: p.Asn392=; no amino-acid change (asparagine 392 retained).
Molecular consequence: synonymous variant.
Genome position (GRCh38, 1-based): chr10:86,921,529, T>C. VCF-style: chr10-86921529-T-C. GRCh37 (hg19) VCF-style: chr10-88681286-T-C.
Identifiers: ClinVar variation 818499 (VCV000818499.16), dbSNP rs1589292569, ClinGen allele CA470308266.

ClinVar aggregate classification (germline): Benign/Likely benign. Review status: criteria provided, multiple submitters, no conflicts (2 of 4 stars). 4 submissions from 4 submitters: Benign (1); Likely benign (3). Last evaluated 2024-08-07.

Conditions:
Juvenile polyposis syndrome (JPS). Identifiers: Orphanet 2929, MedGen C0345893, MONDO:0017380, OMIM 174900.
Hereditary cancer-predisposing syndrome. Also called: Hereditary Cancer Syndrome; Neoplastic Syndromes, Hereditary; Hereditary neoplastic syndrome; Tumor predisposition. Identifiers: Orphanet 140162, MedGen C0027672, MeSH D009386, MONDO:0015356.

Allele frequency attached by ClinVar (database versions not stated): gnomAD exomes below 0.00001.
gnomAD v4.1: 1 of 1,614,042 alleles (0.000062%); highest among the groups gnomAD compares: Non-Finnish European, 0.000085%; no homozygotes.

Submissions (4):

Myriad Genetics, Inc.
Classification: Benign for Juvenile polyposis syndrome. Last evaluated: 2024-08-07. Review status: criteria provided, single submitter. Criteria: Myriad Autosomal Dominant, Autosomal Recessive and X-Linked Classification Criteria (2023). Collection method: clinical testing. Allele origin: unknown.
Comment: This variant is considered benign. This variant is a silent/synonymous amino acid change and it is not expected to impact splicing.

All of Us Research Program, National Institutes of Health
Classification: Likely benign for Juvenile polyposis syndrome. Last evaluated: 2023-08-15. Review status: criteria provided, single submitter. Criteria: ACMG Guidelines, 2015. Collection method: clinical testing. Allele origin: germline. Inheritance: Autosomal dominant inheritance. Observed: 1 variant allele, 1 heterozygote.
Comment: This study involves interpretation of variants in research participants for the purpose of population health screening. Participant phenotype was not available at the time of variant classification. Additional details can be found in publication PMID: 35346344, PMCID: PMC8962531

Labcorp Genetics (formerly Invitae), Labcorp
Classification: Likely benign for Juvenile polyposis syndrome. Last evaluated: 2023-04-15. Review status: criteria provided, single submitter. Criteria: Invitae Variant Classification Sherloc (09022015). Collection method: clinical testing. Allele origin: germline.

Ambry Genetics
Classification: Likely benign for Hereditary cancer-predisposing syndrome. Last evaluated: 2018-03-12. Review status: criteria provided, single submitter. Criteria: Ambry Variant Classification Scheme 2023. Collection method: clinical testing. Allele origin: germline.